The following is an entry in ClinVar:

NM_001378687.1(ATP2C1):c.2197C>T (p.Gln733Ter)

Gene: ATP2C1 (ATPase secretory pathway Ca2+ transporting 1; plus strand). Cytogenetic location: 3q22.1.
Variant type: single nucleotide variant.
Coding change: c.2197C>T on transcript NM_001378687.1 (MANE Select); coding-DNA position 2197, C replaced by T.
Protein change: p.Gln733Ter; replaces glutamine 733 with a stop codon.
Molecular consequence: nonsense.
Genome position (GRCh38, 1-based): chr3:130,996,750, C>T. VCF-style: chr3-130996750-C-T. GRCh37 (hg19) VCF-style: chr3-130715594-C-T.
Other names: c.2197C>T, p.Gln733Ter (NM_001001485.3, NM_001001486.2, NM_001001487.2 and 5 more transcripts); c.2299C>T, p.Gln767Ter (NM_001199180.2, NM_001199181.3, NM_001378511.1); c.2182C>T, p.Gln728Ter (NM_001199182.2); c.2149C>T, p.Gln717Ter (NM_001199183.2, NM_001199184.3, NM_001378514.1); short protein forms Q733*, Q728*, Q767*, Q717*.
Identifiers: ClinVar variation 379537 (VCV000379537.2), dbSNP rs1057520634, ClinGen allele CA16604815.

ClinVar aggregate classification (germline): Pathogenic (1 of 4 stars; one submission).

Submission:

GeneDx
Classification: Pathogenic. Last evaluated: 2015-04-28. Review status: criteria provided, single submitter. Criteria: GeneDx Variant Classification (06012015). Collection method: clinical testing. Allele origin: germline. Affected: yes.
Comment: The Q733X nonsense variant in the ATP2C1 gene is predicted to cause loss of normal protein functioneither through protein truncation or nonsense-mediated mRNA decay. The Q733X variant was not observedin approximately 6,500 individuals of European and African American ancestry in the NHLBI ExomeSequencing Project, indicating it is not a common benign variant in these populations. Although this varianthas not been reported previously to our knowledge, we consider it to be pathogenic.